The following is an entry in ClinVar:

ClinVar aggregate classification (germline): Uncertain significance (1 of 4 stars; one submission).

Conditions:
Hereditary cancer-predisposing syndrome. Also called: Neoplastic Syndromes, Hereditary; Tumor predisposition; Hereditary neoplastic syndrome; Hereditary Cancer Syndrome. Identifiers: Orphanet 140162, MedGen C0027672, MeSH D009386, MONDO:0015356.

Submission:

Ambry Genetics
Classification: Uncertain significance for Hereditary cancer-predisposing syndrome. Last evaluated: 2023-11-06. Review status: criteria provided, single submitter. Criteria: Ambry Variant Classification Scheme 2023. Collection method: clinical testing. Allele origin: germline.
Comment: The p.L651P variant (also known as c.1952T>C), located in coding exon 13 of the PDGFRA gene, results from a T to C substitution at nucleotide position 1952. The leucine at codon 651 is replaced by proline, an amino acid with similar properties. This amino acid position is conserved. In addition, this alteration is predicted to be deleterious by in silico analysis. Since supporting evidence is limited at this time, the clinical significance of this alteration remains unclear.

NM_006206.6(PDGFRA):c.1952T>C (p.Leu651Pro)

Gene: PDGFRA (platelet derived growth factor receptor alpha; plus strand). Cytogenetic location: 4q12.
Variant type: single nucleotide variant.
Coding change: c.1952T>C on transcript NM_006206.6 (MANE Select); coding-DNA position 1952, T replaced by C.
Protein change: p.Leu651Pro; replaces leucine 651 with proline.
Molecular consequence: missense variant.
Genome position (GRCh38, 1-based): chr4:54,277,956, T>C. VCF-style: chr4-54277956-T-C. GRCh37 (hg19) VCF-style: chr4-55144123-T-C.
Other names: c.2027T>C, p.Leu676Pro (NM_001347828.2); c.1952T>C, p.Leu651Pro (NM_001347829.2, NM_001347827.2); c.1991T>C, p.Leu664Pro (NM_001347830.2); short protein forms L651P, L664P, L676P.
Identifiers: ClinVar variation 3225275 (VCV003225275.1), dbSNP rs2475511391, ClinGen allele CA356893700.